The following is an entry in ClinVar:

NM_001330700.2(TOP2B):c.444A>G (p.Val148=)

Gene: TOP2B (DNA topoisomerase II beta; minus strand). Cytogenetic location: 3p24.2.
Variant type: single nucleotide variant.
Coding change: c.444A>G on transcript NM_001330700.2 (MANE Select); coding-DNA position 444, A replaced by G.
Protein change: p.Val148=; no amino-acid change (valine 148 retained).
Molecular consequence: synonymous variant.
Genome position (GRCh38, 1-based): chr3:25,638,262, T>C on the plus strand (A>G on the coding strand, the complement: TOP2B is on the minus strand). VCF-style: chr3-25638262-T-C. GRCh37 (hg19) VCF-style: chr3-25679753-T-C.
Other names: c.429A>G, p.Val143= (NM_001068.3).
Identifiers: ClinVar variation 1567823 (VCV001567823.10), dbSNP rs549262348, ClinGen allele CA2288891.

ClinVar aggregate classification (germline): Benign/Likely benign. Review status: criteria provided, multiple submitters, no conflicts (2 of 4 stars). 3 submissions from 3 submitters: Benign (1); Likely benign (2). Last evaluated 2026-08-01.

Allele frequency attached by ClinVar (database versions not stated): gnomAD 0.00001 and 0.00009; gnomAD exomes 0.00016 and 0.00044; 1000 Genomes Project 30x 0.00078; 1000 Genomes Project 0.00080; ExAC 0.00084.
gnomAD v4.1: 222 of 1,441,366 alleles (0.015%); highest among the groups gnomAD compares: South Asian, 0.25%; 1 homozygote.

Submissions (3):

CeGaT Center for Human Genetics Tuebingen
Classification: Likely benign. Last evaluated: 2026-08-01. Review status: criteria provided, single submitter. Criteria: CeGaT Center For Human Genetics Tuebingen Variant Classification Criteria Version 2. Collection method: clinical testing. Allele origin: germline. Affected: yes. Observed: 1 variant allele.
Comment: TOP2B: BP4, BP7, BS1

Labcorp Genetics (formerly Invitae), Labcorp
Classification: Benign. Last evaluated: 2025-06-09. Review status: criteria provided, single submitter. Criteria: Invitae Variant Classification Sherloc (09022015). Collection method: clinical testing. Allele origin: germline.

Blueprint Genetics
Classification: Likely benign. Last evaluated: 2024-04-29. Review status: criteria provided, single submitter. Criteria: ACMG Guidelines, 2015. Collection method: clinical testing. Allele origin: germline.